The following is an entry in ClinVar:

NM_001042517.2(DIAPH3):c.3427C>A (p.His1143Asn)

Gene: DIAPH3 (diaphanous related formin 3; minus strand). Cytogenetic location: 13q21.2.
Variant type: single nucleotide variant.
Coding change: c.3427C>A on transcript NM_001042517.2 (MANE Select); coding-DNA position 3427, C replaced by A.
Protein change: p.His1143Asn; replaces histidine 1143 with asparagine.
Molecular consequence: missense variant.
Genome position (GRCh38, 1-based): chr13:59,666,739, G>T on the plus strand (C>A on the coding strand, the complement: DIAPH3 is on the minus strand). VCF-style: chr13-59666739-G-T. GRCh37 (hg19) VCF-style: chr13-60240873-G-T.
Other names: c.3394C>A, p.His1132Asn (NM_001258366.2); c.3289C>A, p.His1097Asn (NM_001258367.2); c.3217C>A, p.His1073Asn (NM_001258368.2); short protein forms H1143N, H1073N, H1097N, H1132N.
Identifiers: ClinVar variation 3691867 (VCV003691867.2).

ClinVar aggregate classification (germline): Uncertain significance (1 of 4 stars; one submission).

gnomAD v4.1: 2 of 1,613,994 alleles (0.00012%); highest among the groups gnomAD compares: Non-Finnish European, 0.00017%; no homozygotes.

Submission:

Labcorp Genetics (formerly Invitae), Labcorp
Classification: Uncertain significance. Last evaluated: 2024-08-14. Review status: criteria provided, single submitter. Criteria: Invitae Variant Classification Sherloc (09022015). Collection method: clinical testing. Allele origin: germline.
Comment: This sequence change replaces histidine, which is basic and polar, with asparagine, which is neutral and polar, at codon 1143 of the DIAPH3 protein (p.His1143Asn). This variant is not present in population databases (gnomAD no frequency). This variant has not been reported in the literature in individuals affected with DIAPH3-related conditions. An algorithm developed to predict the effect of missense changes on protein structure and function outputs the following: PolyPhen-2: "Benign". The asparagine amino acid residue is found in multiple mammalian species, which suggests that this missense change does not adversely affect protein function. In summary, the available evidence is currently insufficient to determine the role of this variant in disease. Therefore, it has been classified as a Variant of Uncertain Significance.